The following is an entry in ClinVar:

ClinVar aggregate classification (germline): Uncertain significance (1 of 4 stars; one submission).

Conditions:
Catecholaminergic polymorphic ventricular tachycardia 1. Also called: VENTRICULAR TACHYCARDIA, CATECHOLAMINERGIC POLYMORPHIC, 1, WITH OR WITHOUT ATRIAL DYSFUNCTION AND/OR DILATED CARDIOMYOPATHY; RYR2-Related Catecholaminergic Polymorphic Ventricular Tachycardia; VENTRICULAR TACHYCARDIA, STRESS-INDUCED POLYMORPHIC 1. Identifiers: Orphanet 3286, MedGen C1631597, MONDO:0011484, OMIM 604772.

Submission:

Labcorp Genetics (formerly Invitae), Labcorp
Classification: Uncertain significance for Catecholaminergic polymorphic ventricular tachycardia 1. Last evaluated: 2022-08-13. Review status: criteria provided, single submitter. Criteria: Invitae Variant Classification Sherloc (09022015). Collection method: clinical testing. Allele origin: germline.
Comment: In summary, the available evidence is currently insufficient to determine the role of this variant in disease. Therefore, it has been classified as a Variant of Uncertain Significance. Algorithms developed to predict the effect of sequence changes on RNA splicing suggest that this variant may disrupt the consensus splice site. This variant has not been reported in the literature in individuals affected with RYR2-related conditions. This variant is not present in population databases (gnomAD no frequency). This sequence change affects an acceptor splice site in intron 7 of the RYR2 gene. It is expected to disrupt RNA splicing. Variants that disrupt the donor or acceptor splice site typically lead to a loss of protein function (PMID: 16199547), however the current clinical and genetic evidence is not sufficient to establish whether loss-of-function variants in RYR2 cause disease.

Literature cited by the submitters: PubMed 16199547.

NM_001035.3(RYR2):c.464-1G>A

Gene: RYR2 (ryanodine receptor 2; plus strand). Cytogenetic location: 1q43.
Variant type: single nucleotide variant.
Coding change: c.464-1G>A on transcript NM_001035.3 (MANE Select); the canonical splice acceptor site of the intron before coding-DNA position 464, G replaced by A.
Molecular consequence: splice acceptor variant.
Genome position (GRCh38, 1-based): chr1:237,377,322, G>A. VCF-style: chr1-237377322-G-A. GRCh37 (hg19) VCF-style: chr1-237540622-G-A.
Identifiers: ClinVar variation 2023939 (VCV002023939.4), dbSNP rs2529990886, ClinGen allele CA345375366.
Genomic context (GRCh38, chr1:237,377,322, plus strand): 5'-AAGAAAATAGATTTTAATTAAGAGGAACTTTTTCATGTTTCACATATCCGTATATCTGCA[G>A]GGGAGGCTTGTTGGTGGACCATACACCCTGCCTCTAAGCAGCGATCAGAAGGAGAAAAAG-3'